The following is an entry in ClinVar:

ClinVar aggregate classification (germline): Benign (0 of 4 stars; one submission).

Conditions:
DNAH2-related disorder. Also called: DNAH2-related condition.

Allele frequency attached by ClinVar (database versions not stated): TOPMed 0.00009; gnomAD 0.00038; gnomAD exomes 0.00124; 1000 Genomes Project 30x 0.00265; 1000 Genomes Project 0.00339; ExAC 0.00908.

Submission:

PreventionGenetics, part of Exact Sciences
Classification: Benign for DNAH2-related condition. Last evaluated: 2020-02-24. Review status: no assertion criteria provided. Collection method: clinical testing. Allele origin: germline.
Comment: This variant is classified as benign based on ACMG/AMP sequence variant interpretation guidelines (Richards et al. 2015 PMID: 25741868, with internal and published modifications).

NM_020877.5(DNAH2):c.1904+340dup

Gene: DNAH2 (dynein axonemal heavy chain 2; plus strand). Cytogenetic location: 17p13.1.
Variant type: Duplication.
Coding change: c.1904+340dup on transcript NM_020877.5 (MANE Select); 340 bases into the intron after coding-DNA position 1904, one base duplicated (A; older notation c.1904+340dupA).
Molecular consequence: intron variant. On other transcripts: frameshift variant (1).
Genome position (GRCh38, 1-based): chr17:7,743,482, A duplicated. VCF-style (leftmost placement, unchanged base first): chr17-7743481-C-CA. GRCh37 (hg19) VCF-style: chr17-7646799-C-CA.
Other names: c.2490dup, p.Trp831fs (NM_001303270.2); short protein forms W831fs.
Identifiers: ClinVar variation 3042717 (VCV003042717.2), dbSNP rs528041051, ClinGen allele CA8356317.